The following is an entry in ClinVar:

NM_000180.4(GUCY2D):c.1072G>A (p.Ala358Thr)

Gene: GUCY2D (guanylate cyclase 2D, retinal; plus strand). Cytogenetic location: 17p13.1.
Variant type: single nucleotide variant.
Coding change: c.1072G>A on transcript NM_000180.4 (MANE Select); coding-DNA position 1072, G replaced by A.
Protein change: p.Ala358Thr; replaces alanine 358 with threonine.
Molecular consequence: missense variant.
Genome position (GRCh38, 1-based): chr17:8,006,408, G>A. VCF-style: chr17-8006408-G-A. GRCh37 (hg19) VCF-style: chr17-7909726-G-A.
Other names: c.1072G>A (NM_000180.3); short protein forms A358T.
Identifiers: ClinVar variation 1912722 (VCV001912722.4), dbSNP rs1263635741, ClinGen allele CA397947694.

ClinVar aggregate classification (germline): Uncertain significance. Review status: criteria provided, multiple submitters, no conflicts (2 of 4 stars). 2 submissions from 2 submitters: Uncertain significance (2). Last evaluated 2023-05-26.

Conditions:
Inborn genetic diseases. Identifiers: MedGen C0950123, MeSH D030342.
Cone-rod dystrophy 6 (CORD6). Also called: RETINAL CONE DYSTROPHY 2; Cone dystrophy progressive. Identifiers: Orphanet 1872, MedGen C1866293, MONDO:0011143, OMIM 601777.
Leber congenital amaurosis 1 (LCA1). Also called: AMAUROSIS CONGENITA OF LEBER I; RETINAL BLINDNESS, CONGENITAL; Congenital absence of the rods and cones; Leber's congenital tapetoretinal degeneration; Leber's congenital tapetoretinal dysplasia. Identifiers: Orphanet 65, MedGen C2931258, MONDO:0008764, OMIM 204000.

gnomAD v4.1: 2 of 1,602,112 alleles (0.00012%); highest among the groups gnomAD compares: Non-Finnish European, 0.00017%; no homozygotes.

Submissions (2):

Ambry Genetics
Classification: Uncertain significance for Inborn genetic diseases. Last evaluated: 2023-05-26. Review status: criteria provided, single submitter. Criteria: Ambry Variant Classification Scheme 2023. Collection method: clinical testing. Allele origin: germline.

Labcorp Genetics (formerly Invitae), Labcorp
Classification: Uncertain significance for Leber congenital amaurosis 1; Cone-rod dystrophy 6. Last evaluated: 2022-09-06. Review status: criteria provided, single submitter. Criteria: Invitae Variant Classification Sherloc (09022015). Collection method: clinical testing. Allele origin: germline.
Comment: This sequence change replaces alanine, which is neutral and non-polar, with threonine, which is neutral and polar, at codon 358 of the GUCY2D protein (p.Ala358Thr). This variant is not present in population databases (gnomAD no frequency). This variant has not been reported in the literature in individuals affected with GUCY2D-related conditions. Algorithms developed to predict the effect of missense changes on protein structure and function are either unavailable or do not agree on the potential impact of this missense change (SIFT: "Deleterious"; PolyPhen-2: "Probably Damaging"; Align-GVGD: "Class C0"). In summary, the available evidence is currently insufficient to determine the role of this variant in disease. Therefore, it has been classified as a Variant of Uncertain Significance.